The following is an entry in ClinVar:

NM_001142287.2(SEMA4D):c.1777G>T (p.Gly593Trp)

Gene: SEMA4D (semaphorin 4D; minus strand). Cytogenetic location: 9q22.2.
Variant type: single nucleotide variant.
Coding change: c.1777G>T on transcript NM_001142287.2; coding-DNA position 1777, G replaced by T.
Protein change: p.Gly593Trp; replaces glycine 593 with tryptophan.
Molecular consequence: missense variant. On other transcripts: non-coding transcript variant (1).
Genome position (GRCh38, 1-based): chr9:89,376,938, C>A on the plus strand (G>T on the coding strand, the complement: SEMA4D is on the minus strand). VCF-style: chr9-89376938-C-A. GRCh37 (hg19) VCF-style: chr9-91991853-C-A.
Other names: c.1777G>T, p.Gly593Trp (NM_001371198.1, NM_001371199.1, NM_001371200.1 and 2 more transcripts); short protein forms G593W.
Identifiers: ClinVar variation 3049327 (VCV003049327.2), dbSNP rs139924853, ClinGen allele CA5118015.

ClinVar aggregate classification (germline): Benign (0 of 4 stars; one submission).

Conditions:
SEMA4D-related disorder. Also called: SEMA4D-related condition.

Allele frequency attached by ClinVar (database versions not stated): 1000 Genomes Project 30x 0.00187; gnomAD exomes 0.00021; TOPMed 0.00260; ExAC 0.00066; gnomAD 0.00237; 1000 Genomes Project 0.00240.
gnomAD v4.1: 663 of 1,550,768 alleles (0.043%); highest among the groups gnomAD compares: African/African-American, 0.82%; no homozygotes.

Submission:

PreventionGenetics, part of Exact Sciences
Classification: Benign for SEMA4D-related condition. Last evaluated: 2019-10-28. Review status: no assertion criteria provided. Collection method: clinical testing. Allele origin: germline.
Comment: This variant is classified as benign based on ACMG/AMP sequence variant interpretation guidelines (Richards et al. 2015 PMID: 25741868, with internal and published modifications).